The following is an entry in ClinVar:

NM_001015880.2(PAPSS2):c.1115T>C (p.Val372Ala)

Gene: PAPSS2 (3'-phosphoadenosine 5'-phosphosulfate synthase 2; plus strand). Cytogenetic location: 10q23.31.
Variant type: single nucleotide variant.
Coding change: c.1115T>C on transcript NM_001015880.2 (MANE Select); coding-DNA position 1115, T replaced by C.
Protein change: p.Val372Ala; replaces valine 372 with alanine.
Molecular consequence: missense variant.
Genome position (GRCh38, 1-based): chr10:87,741,263, T>C. VCF-style: chr10-87741263-T-C. GRCh37 (hg19) VCF-style: chr10-89501020-T-C.
Other names: c.1100T>C, p.Val367Ala (NM_004670.4); short protein forms V367A, V372A.
Identifiers: ClinVar variation 2070131 (VCV002070131.4), dbSNP rs150809990, ClinGen allele CA5589665.

ClinVar aggregate classification (germline): Uncertain significance. Review status: criteria provided, multiple submitters, no conflicts (2 of 4 stars). 2 submissions from 2 submitters: Uncertain significance (2). Last evaluated 2026-01-22.

Conditions:
Inborn genetic diseases. Identifiers: MedGen C0950123, MeSH D030342.
Spondyloepimetaphyseal dysplasia, PAPSS2 type. Also called: BRACHYOLMIA TYPE 4 WITH MILD EPIPHYSEAL AND METAPHYSEAL CHANGES; SPONDYLODYSPLASIA AND PREMATURE PUBARCHE; SEMD, PAKISTANI TYPE. Identifiers: Orphanet 93282, MedGen C2748516, MONDO:0019666, OMIM 612847.

Allele frequency attached by ClinVar (database versions not stated): 1000 Genomes Project 30x 0.00031; gnomAD 0.00037; TOPMed 0.00042; ESP Exome Variant Server 0.00046; gnomAD exomes 0.00005.
gnomAD v4.1: 132 of 1,613,394 alleles (0.0082%); highest among the groups gnomAD compares: African/African-American, 0.12%; no homozygotes.

Submissions (2):

Labcorp Genetics (formerly Invitae), Labcorp
Classification: Uncertain significance for Spondyloepimetaphyseal dysplasia, PAPSS2 type. Last evaluated: 2026-01-22. Review status: criteria provided, single submitter. Criteria: Invitae Variant Classification Sherloc (09022015). Collection method: clinical testing. Allele origin: germline.
Comment: This sequence change replaces valine, which is neutral and non-polar, with alanine, which is neutral and non-polar, at codon 372 of the PAPSS2 protein (p.Val372Ala). This variant is present in population databases (rs150809990, gnomAD 0.1%). This variant has not been reported in the literature in individuals affected with PAPSS2-related conditions. ClinVar contains an entry for this variant (Variation ID: 2070131). An algorithm developed to predict the effect of missense changes on protein structure and function (PolyPhen-2) suggests that this variant is likely to be tolerated. In summary, the available evidence is currently insufficient to determine the role of this variant in disease. Therefore, it has been classified as a Variant of Uncertain Significance.

Ambry Genetics
Classification: Uncertain significance for Inborn genetic diseases. Last evaluated: 2025-04-04. Review status: criteria provided, single submitter. Criteria: Ambry Variant Classification Scheme 2023. Collection method: clinical testing. Allele origin: germline.